The following is an entry in ClinVar:

ClinVar aggregate classification (germline): Uncertain significance (1 of 4 stars; one submission).

Submission:

GeneDx
Classification: Uncertain significance. Last evaluated: 2026-06-01. Review status: criteria provided, single submitter. Criteria: GeneDx Variant Classification Process June 2021. Collection method: clinical testing. Allele origin: germline.
Comment: Not observed at significant frequency in large population cohorts (gnomAD); Canonical splice site variant with an unclear effect on protein function; Has not been previously published as pathogenic or benign to our knowledge

NM_021072.4(HCN1):c.1231-2A>G

Gene: HCN1 (hyperpolarization activated cyclic nucleotide gated potassium channel 1; minus strand). Cytogenetic location: 5p12.
Variant type: single nucleotide variant.
Coding change: c.1231-2A>G on transcript NM_021072.4 (MANE Select); the canonical splice acceptor site of the intron before coding-DNA position 1231, A replaced by G.
Molecular consequence: splice acceptor variant.
Genome position (GRCh38, 1-based): chr5:45,353,248, T>C on the plus strand (A>G on the coding strand, the complement: HCN1 is on the minus strand). VCF-style: chr5-45353248-T-C. GRCh37 (hg19) VCF-style: chr5-45353350-T-C.
Identifiers: ClinVar variation 2430963 (VCV002430963.2), dbSNP rs2478391898, ClinGen allele CA359702307.